The following is an entry in ClinVar:

ClinVar aggregate classification (germline): Likely pathogenic (1 of 4 stars; one submission).

Conditions:
Central hypoventilation syndrome, congenital, 2, and autonomic dysfunction. Identifiers: MedGen C5561963, MONDO:0030537, OMIM 619482.

Submission:

Laboratory of Human Genetics, Universidade de São Paulo
Classification: Likely pathogenic for Central hypoventilation syndrome, congenital, 2, and autonomic dysfunction. Last evaluated: 2025-12-18. Review status: criteria provided, single submitter. Criteria: ACMG Guidelines, 2015. Collection method: research. Allele origin: biparental. Affected: yes.
Comment: Homozygous variant classified as likely pathogenic according to ACMG/AMP guidelines (PVS1, PM2).

NM_001101421.4(MYO1H):c.263del (p.Val88fs)

Gene: MYO1H (myosin IH; plus strand). Cytogenetic location: 12q24.11.
Variant type: Deletion.
Coding change: c.263del on transcript NM_001101421.4 (MANE Select); coding-DNA position 263, one base deleted (T; older notation c.263delT).
Protein change: p.Val88fs; shifts the reading frame from valine 88.
Molecular consequence: frameshift variant.
Genome position (GRCh38, 1-based): chr12:109,393,419, T deleted. VCF-style (leftmost placement, unchanged base first): chr12-109393418-GT-G. GRCh37 (hg19) VCF-style: chr12-109831223-GT-G.
Other names: short protein forms V88fs.
Identifiers: ClinVar variation 4688041 (VCV004688041.1).